The following is an entry in ClinVar:

NM_000368.5(TSC1):c.2625+1G>C

Gene: TSC1 (TSC complex subunit 1; minus strand). Cytogenetic location: 9q34.13.
Variant type: single nucleotide variant.
Coding change: c.2625+1G>C on transcript NM_000368.5 (MANE Select); the canonical splice donor site of the intron after coding-DNA position 2625, G replaced by C.
Molecular consequence: splice donor variant.
Genome position (GRCh38, 1-based): chr9:132,900,714, C>G on the plus strand (G>C on the coding strand, the complement: TSC1 is on the minus strand). VCF-style: chr9-132900714-C-G. GRCh37 (hg19) VCF-style: chr9-135776101-C-G.
Other names: c.2259+1G>C (NM_001406620.1, NM_001406621.1, NM_001406622.1 and 1 more transcripts); c.2262+1G>C (NM_001406618.1, NM_001406617.1, NM_001406619.1 and 4 more transcripts); c.2217+1G>C (NM_001406625.1); c.2427+1G>C (NM_001406613.1); c.2469+1G>C (NM_001406612.1, NM_001406611.1); c.2472+1G>C (NM_001406610.1, NM_001162427.2); c.1671+1G>C (NM_001406627.1, NM_001406628.1); c.1572+1G>C (NM_001406629.1, NM_001406630.1); and 8 more.
Identifiers: ClinVar variation 4866023 (VCV004866023.1).

ClinVar aggregate classification (germline): Uncertain significance (1 of 4 stars; one submission).

Conditions:
Hereditary cancer-predisposing syndrome. Also called: Neoplastic Syndromes, Hereditary; Tumor predisposition; Hereditary Cancer Syndrome; Hereditary neoplastic syndrome. Identifiers: Orphanet 140162, MedGen C0027672, MeSH D009386, MONDO:0015356.

Submission:

Ambry Genetics
Classification: Uncertain significance for Hereditary cancer-predisposing syndrome. Last evaluated: 2026-04-16. Review status: criteria provided, single submitter. Criteria: Ambry Variant Classification Scheme 2023. Collection method: clinical testing. Allele origin: germline.
Comment: The c.2625+1G>C intronic variant results from a G to C substitution one nucleotide after coding exon 18 of the TSC1 gene. This nucleotide position is highly conserved in available vertebrate species. Variants that disrupt the canonical splice site are expected to result in aberrant splicing. In silico splice site analysis predicts that this alteration will weaken the native splice donor site. RNA studies have demonstrated that this variant results in a transcript predicted to lead to a protein with an in-frame deletion of 41 amino acids; however, the exact functional impact of the deleted amino acids is unknown at this time (Ambry internal data). Based on the available evidence, the clinical significance of this variant remains unclear.